The following is an entry in ClinVar:

NM_001127222.2(CACNA1A):c.6303+69A>C

Gene: CACNA1A (calcium voltage-gated channel subunit alpha1 A; minus strand). Cytogenetic location: 19p13.13.
Variant type: single nucleotide variant.
Coding change: c.6303+69A>C on transcript NM_001127222.2 (MANE Select); 69 bases into the intron after coding-DNA position 6303, A replaced by C.
Molecular consequence: intron variant.
Genome position (GRCh38, 1-based): chr19:13,212,034, T>G on the plus strand (A>C on the coding strand, the complement: CACNA1A is on the minus strand). VCF-style: chr19-13212034-T-G. GRCh37 (hg19) VCF-style: chr19-13322848-T-G.
Other names: c.6306+69A>C (NM_001127221.2); c.6312+69A>C (NM_001174080.2); c.6321+69A>C (NM_000068.4, NM_023035.3).
Identifiers: ClinVar variation 677366 (VCV000677366.2), dbSNP rs60185051, ClinGen allele CA305550266.

ClinVar aggregate classification (germline): Benign. Review status: criteria provided, multiple submitters, no conflicts (2 of 4 stars). 2 submissions from 2 submitters: Benign (2). Last evaluated 2018-06-14.

Allele frequency attached by ClinVar (database versions not stated): gnomAD exomes 0.03845; gnomAD 0.06829; TOPMed 0.07239; 1000 Genomes Project 0.08466; 1000 Genomes Project 30x 0.08838.
gnomAD v4.1: 48,365 of 1,129,894 alleles (4.3%); highest among the groups gnomAD compares: African/African-American, 17%; 1,874 homozygotes.

Submissions (2):

GeneDx
Classification: Benign. Last evaluated: 2018-06-14. Review status: criteria provided, single submitter. Criteria: GeneDx Variant Classification (06012015). Collection method: clinical testing. Allele origin: germline. Affected: yes.
Comment: This variant is considered likely benign or benign based on one or more of the following criteria: it is a conservative change, it occurs at a poorly conserved position in the protein, it is predicted to be benign by multiple in silico algorithms, and/or has population frequency not consistent with disease.

Breakthrough Genomics
Classification: Benign. Review status: criteria provided, single submitter. Criteria: ACMG Guidelines, 2015. Collection method: not provided. Allele origin: germline. Inheritance: Autosomal dominant inheritance. Affected: yes.